The following is an entry in ClinVar:

NM_005219.5(DIAPH1):c.16G>A (p.Gly6Arg)

Gene: DIAPH1 (diaphanous related formin 1; minus strand). Cytogenetic location: 5q31.3.
Variant type: single nucleotide variant.
Coding change: c.16G>A on transcript NM_005219.5 (MANE Select); coding-DNA position 16, G replaced by A.
Protein change: p.Gly6Arg; replaces glycine 6 with arginine.
Molecular consequence: missense variant.
Genome position (GRCh38, 1-based): chr5:141,618,899, C>T on the plus strand (G>A on the coding strand, the complement: DIAPH1 is on the minus strand). VCF-style: chr5-141618899-C-T. GRCh37 (hg19) VCF-style: chr5-140998466-C-T.
Other names: c.16G>A, p.Gly6Arg (NM_001079812.3, NM_001314007.2); short protein forms G6R.
Identifiers: ClinVar variation 1719111 (VCV001719111.6), dbSNP rs2513851372, ClinGen allele CA361508981.
Genomic context (GRCh38, chr5:141,618,899, plus strand): 5'-GCTCATCTGGGCTCCGGCCCTTCTTCTTGTCCCGGGTCCCGCGGCCGGGCCCCAGGCTCC[C>T]GCCGGGCGGCTCCATGTCCCGGTTCACGCTGGCCGGCGACCCCGCGCCTACGCCGCTCCC-3'
Protein context (NP_005210.3, residues 1-16): MEPPG[Gly6Arg]SLGPGRGTRD

ClinVar aggregate classification (germline): Uncertain significance (1 of 4 stars; one submission).

Conditions:
Progressive microcephaly-seizures-cortical blindness-developmental delay syndrome. Also called: Seizures, cortical blindness, and microcephaly syndrome. Identifiers: Orphanet 477814, MedGen C5567650, MONDO:0014714, OMIM 616632.
Autosomal dominant nonsyndromic hearing loss 1. Also called: KONIGSMARK SYNDROME; DEAFNESS, AUTOSOMAL DOMINANT 1, WITH OR WITHOUT THROMBOCYTOPENIA. Identifiers: Orphanet 90635, MedGen C1852282, MONDO:0007424, OMIM 124900.

Allele frequency attached by ClinVar (database versions not stated): gnomAD exomes below 0.00001.
gnomAD v4.1: 2 of 1,511,260 alleles (0.00013%); highest among the groups gnomAD compares: African/African-American, 0.0014%; no homozygotes.

Submission:

Labcorp Genetics (formerly Invitae), Labcorp
Classification: Uncertain significance for Progressive microcephaly-seizures-cortical blindness-developmental delay syndrome; Autosomal dominant nonsyndromic hearing loss 1. Last evaluated: 2025-08-15. Review status: criteria provided, single submitter. Criteria: Invitae Variant Classification Sherloc (09022015). Collection method: clinical testing. Allele origin: germline.
Comment: This sequence change replaces glycine, which is neutral and non-polar, with arginine, which is basic and polar, at codon 6 of the DIAPH1 protein (p.Gly6Arg). This variant is not present in population databases (gnomAD no frequency). This variant has not been reported in the literature in individuals affected with DIAPH1-related conditions. ClinVar contains an entry for this variant (Variation ID: 1719111). Experimental studies and prediction algorithms are not available or were not evaluated, and the functional significance of this variant is currently unknown. In summary, the available evidence is currently insufficient to determine the role of this variant in disease. Therefore, it has been classified as a Variant of Uncertain Significance.